The following is an entry in ClinVar:

NM_000352.6(ABCC8):c.255G>A (p.Leu85=)

Gene: ABCC8 (ATP binding cassette subfamily C member 8; minus strand). Cytogenetic location: 11p15.1.
Variant type: single nucleotide variant.
Coding change: c.255G>A on transcript NM_000352.6 (MANE Select); coding-DNA position 255, G replaced by A.
Protein change: p.Leu85=; no amino-acid change (leucine 85 retained).
Molecular consequence: synonymous variant. On other transcripts: non-coding transcript variant (1).
Genome position (GRCh38, 1-based): chr11:17,474,921, C>T on the plus strand (G>A on the coding strand, the complement: ABCC8 is on the minus strand). VCF-style: chr11-17474921-C-T. GRCh37 (hg19) VCF-style: chr11-17496468-C-T.
Other names: c.255G>A, p.Leu85= (NM_001287174.3, NM_001351295.2, NM_001351296.2 and 1 more transcripts); c.255G>A (NM_000352.5).
Identifiers: ClinVar variation 991066 (VCV000991066.9), dbSNP rs1323334420, ClinGen allele CA473301935.
Genomic context (GRCh38, chr11:17,474,921, plus strand): 5'-CCTGAGTCCTCAGACAGTCACTCACCCATCAGACAGGATGCCCTCTGCAATCTCACACAC[C>T]AGGACGAAGAGCAGCATGAAGGTCAGGATCCACCGCAGGTTGTGCCCAGGGAAATGAAGC-3'
Protein context (NP_000343.2, residues 75-95): WILTFMLLFV[Leu85=]VCEIAEGILS

ClinVar aggregate classification (germline): Conflicting classifications of pathogenicity. Review status: criteria provided, conflicting classifications (1 of 4 stars). 5 submissions from 4 submitters: Uncertain significance (3); Likely benign (1). 1 of the submissions does not count toward it. Last evaluated 2026-01-26.

Conditions:
Diabetes mellitus, transient neonatal, 2 (TNDM2). Identifiers: Orphanet 99886, MedGen C1835887, MONDO:0012480, OMIM 610374. Disease mechanism: loss of function.
Type 2 diabetes mellitus. Also called: Type II diabetes mellitus. Identifiers: MedGen C0011860, MeSH D003924, MONDO:0005148, OMIM 125853, HP:0005978.
Diabetes mellitus, permanent neonatal 3. Also called: ABCC8-Related Permanent Neonatal Diabetes Mellitus. Identifiers: MedGen C5394303, MONDO:0030088, OMIM 618857.
Hyperinsulinemic hypoglycemia, familial, 1 (HHF1). Also called: HYPERINSULINISM, FAMILIAL, WITH PANCREATIC NESIDIOBLASTOSIS; HYPOGLYCEMIA, HYPERINSULINEMIC, OF INFANCY; Persistent hyperinsulinemic hypoglycemia of infancy; Persistent Hyperinsulinemia Hypoglycemia of Infancy; NESIDIOBLASTOSIS OF PANCREAS. Identifiers: Orphanet 276575, Orphanet 276598, MedGen C2931832, MONDO:0009734, OMIM 256450.
Leucine-induced hypoglycemia (LIH). Also called: LEUCINE-SENSITIVE HYPOGLYCEMIA OF INFANCY. Identifiers: MedGen C0271714, MONDO:0009415, OMIM 240800.
Transitory neonatal diabetes mellitus. Also called: Transient neonatal diabetes mellitus. Identifiers: MedGen C0342273, MONDO:0020525, HP:0008255.
Hereditary hyperinsulinism.
Maturity-onset diabetes of the young (MODY). Also called: Maturity onset diabetes mellitus in young. Identifiers: Orphanet 552, MedGen C0342276, MONDO:0018911, HP:0004904.

Allele frequency attached by ClinVar (database versions not stated): gnomAD exomes below 0.00001 and 0.00001; TOPMed below 0.00001; gnomAD 0.00001.
gnomAD v4.1: 17 of 1,614,068 alleles (0.0011%); highest among the groups gnomAD compares: Middle Eastern, 0.016%; no homozygotes.

Submissions (5):

Labcorp Genetics (formerly Invitae), Labcorp
Classification: Likely benign. Last evaluated: 2026-01-26. Review status: criteria provided, single submitter. Criteria: Invitae Variant Classification Sherloc (09022015). Collection method: clinical testing. Allele origin: germline.

Fulgent Genetics
Classification: Uncertain significance for Type 2 diabetes mellitus; Leucine-induced hypoglycemia; Hyperinsulinemic hypoglycemia, familial, 1; Diabetes mellitus, transient neonatal, 2; Diabetes mellitus, permanent neonatal 3. Last evaluated: 2021-07-23. Review status: criteria provided, single submitter. Criteria: ACMG Guidelines, 2015. Collection method: clinical testing. Allele origin: unknown.

Clinical Genomics, Uppaluri K&H Personalized Medicine Clinic
Classification: Uncertain significance for Maturity-onset diabetes of the young. Review status: criteria provided, single submitter. Criteria: K & H Uppaluri Personalized Medicine Clinic Variant Classification & Assertion Criteria_Updated V.1. Collection method: research. Allele origin: unknown. Inheritance: Somatic mutation.
Comment: Mutations in ABCC8 gene are associated with both neonatal diabetes mellitus as well as MODY. Patients with this mutation may have a better response to sulfonylureas. However, no sufficient evidence is found to ascertain the role of this particular variant ( rs1323334420) in MODY yet.

Clinical Genomics, Uppaluri K&H Personalized Medicine Clinic
Classification: Uncertain significance for Transitory neonatal diabetes mellitus. Review status: criteria provided, single submitter. Criteria: K & H Uppaluri Personalized Medicine Clinic Variant Classification & Assertion Criteria_Updated V.1. Collection method: research. Allele origin: unknown. Inheritance: Somatic mutation.
Comment: Mutations in ABCC8 gene are associated with both neonatal diabetes mellitus as well as MODY. Patients with this mutation may have a better response to sulfonylureas. However, no sufficient evidence is found to ascertain the role of this particular variant ( rs1323334420) in neonatal diabetes yet.

Natera, Inc.
Classification: Uncertain significance for Hereditary hyperinsulinism. Last evaluated: 2020-08-13. Review status: no assertion criteria provided. Collection method: clinical testing. Allele origin: germline. Not counted in ClinVar's aggregate classification.

Literature cited by the submitters: PubMed 16885549 (cited by Clinical Genomics, Uppaluri K&H Personalized Medicine Clinic); PubMed 21989597 (cited by Clinical Genomics, Uppaluri K&H Personalized Medicine Clinic); PubMed 27538677 (cited by Clinical Genomics, Uppaluri K&H Personalized Medicine Clinic); PubMed 18981553 (cited by Clinical Genomics, Uppaluri K&H Personalized Medicine Clinic); PubMed 16613899 (cited by Clinical Genomics, Uppaluri K&H Personalized Medicine Clinic); PubMed 32027066 (cited by Clinical Genomics, Uppaluri K&H Personalized Medicine Clinic); PubMed 18025408 (cited by Clinical Genomics, Uppaluri K&H Personalized Medicine Clinic); PubMed 32792356 (cited by Clinical Genomics, Uppaluri K&H Personalized Medicine Clinic).